The following is an entry in ClinVar:

NM_001170535.3(ATAD3A):c.330G>A (p.Ala110=)

Gene: ATAD3A (ATPase family AAA domain containing 3A; plus strand). Cytogenetic location: 1p36.33.
Variant type: single nucleotide variant.
Coding change: c.330G>A on transcript NM_001170535.3 (MANE Select); coding-DNA position 330, G replaced by A.
Protein change: p.Ala110=; no amino-acid change (alanine 110 retained).
Molecular consequence: synonymous variant.
Genome position (GRCh38, 1-based): chr1:1,517,358, G>A. VCF-style: chr1-1517358-G-A. GRCh37 (hg19) VCF-style: chr1-1452738-G-A.
Other names: c.93G>A, p.Ala31= (NM_001170536.3); c.474G>A, p.Ala158= (NM_018188.5).
Identifiers: ClinVar variation 2638022 (VCV002638022.25), dbSNP rs35860586, ClinGen allele CA525695.

ClinVar aggregate classification (germline): Likely benign. Review status: criteria provided, multiple submitters, no conflicts (2 of 4 stars). 2 submissions from 2 submitters: Likely benign (2). Last evaluated 2026-09-01.

Allele frequency attached by ClinVar (database versions not stated): 1000 Genomes Project 30x 0.00078; 1000 Genomes Project 0.00080; ESP Exome Variant Server 0.00113; gnomAD exomes 0.00121; ExAC 0.00133.

Submissions (2):

CeGaT Center for Human Genetics Tuebingen
Classification: Likely benign. Last evaluated: 2026-09-01. Review status: criteria provided, single submitter. Criteria: CeGaT Center For Human Genetics Tuebingen Variant Classification Criteria Version 2. Collection method: clinical testing. Allele origin: germline. Affected: yes. Observed: 17 variant alleles.
Comment: ATAD3A: BP4, BP7

Blueprint Genetics
Classification: Likely benign. Last evaluated: 2024-11-22. Review status: criteria provided, single submitter. Criteria: ACMG Guidelines, 2015. Collection method: clinical testing. Allele origin: germline.